The following is an entry in ClinVar:

ClinVar aggregate classification (germline): Uncertain significance (1 of 4 stars; one submission).

Conditions:
Congenital contractural arachnodactyly (CCA). Also called: BEALS SYNDROME; Arthrogryposis, distal, type 9; Beals-Hecht syndrome. Identifiers: Orphanet 115, MedGen C0220668, MONDO:0007363, OMIM 121050.

gnomAD v4.1: 1 of 1,613,004 alleles (0.000062%); highest among the groups gnomAD compares: Non-Finnish European, 0.000085%; no homozygotes.

Submission:

Labcorp Genetics (formerly Invitae), Labcorp
Classification: Uncertain significance for Congenital contractural arachnodactyly. Last evaluated: 2025-05-23. Review status: criteria provided, single submitter. Criteria: Invitae Variant Classification Sherloc (09022015). Collection method: clinical testing. Allele origin: germline.
Comment: This sequence change replaces aspartic acid, which is acidic and polar, with glycine, which is neutral and non-polar, at codon 535 of the FBN2 protein (p.Asp535Gly). This variant is not present in population databases (gnomAD no frequency). This missense change has been observed in individual(s) with thoracic aortic aneurysm and dissection (internal data). An algorithm developed to predict the effect of missense changes on protein structure and function (PolyPhen-2) suggests that this variant is likely to be disruptive. In summary, the available evidence is currently insufficient to determine the role of this variant in disease. Therefore, it has been classified as a Variant of Uncertain Significance.

NM_001999.4(FBN2):c.1604A>G (p.Asp535Gly)

Gene: FBN2 (fibrillin 2; minus strand). Cytogenetic location: 5q23.3.
Variant type: single nucleotide variant.
Coding change: c.1604A>G on transcript NM_001999.4 (MANE Select); coding-DNA position 1604, A replaced by G.
Protein change: p.Asp535Gly; replaces aspartic acid 535 with glycine.
Molecular consequence: missense variant.
Genome position (GRCh38, 1-based): chr5:128,378,890, T>C on the plus strand (A>G on the coding strand, the complement: FBN2 is on the minus strand). VCF-style: chr5-128378890-T-C. GRCh37 (hg19) VCF-style: chr5-127714583-T-C.
Other names: short protein forms D535G.
Identifiers: ClinVar variation 4807106 (VCV004807106.1).